The following is an entry in ClinVar:

NM_001242896.3(DEPDC5):c.4364A>C (p.His1455Pro)

Gene: DEPDC5 (DEP domain containing 5, GATOR1 subcomplex subunit; plus strand). Cytogenetic location: 22q12.3.
Variant type: single nucleotide variant.
Coding change: c.4364A>C on transcript NM_001242896.3 (MANE Select); coding-DNA position 4364, A replaced by C.
Protein change: p.His1455Pro; replaces histidine 1455 with proline.
Molecular consequence: missense variant. On other transcripts: non-coding transcript variant (5).
Genome position (GRCh38, 1-based): chr22:31,897,642, A>C. VCF-style: chr22-31897642-A-C. GRCh37 (hg19) VCF-style: chr22-32293628-A-C.
Other names: c.4337A>C, p.His1446Pro (NM_001136029.4); c.4064A>C, p.His1355Pro (NM_001242897.2); c.4298A>C, p.His1433Pro (NM_001363852.2, NM_001364320.2); c.4130A>C, p.His1377Pro (NM_001363854.2, NM_001364319.2); c.4364A>C, p.His1455Pro (NM_001364318.2); c.4280A>C, p.His1427Pro (NM_001369901.1, NM_001369902.1); c.4271A>C, p.His1424Pro (NM_001369903.1, NM_014662.6); short protein forms H1377P, H1446P, H1455P, H1424P, H1433P, H1355P, H1427P.
Identifiers: ClinVar variation 2128238 (VCV002128238.4), dbSNP rs2093576887, ClinGen allele CA411289173.

ClinVar aggregate classification (germline): Uncertain significance (1 of 4 stars; one submission).

Conditions:
Familial focal epilepsy with variable foci (FPEVF). Identifiers: Orphanet 98820, MedGen C1858477, MONDO:0020310.

Allele frequency attached by ClinVar (database versions not stated): gnomAD 0.00001.
gnomAD v4.1: 1 of 1,613,796 alleles (0.000062%); highest among the groups gnomAD compares: South Asian, 0.0011%; no homozygotes.

Submission:

Labcorp Genetics (formerly Invitae), Labcorp
Classification: Uncertain significance for Familial focal epilepsy with variable foci. Last evaluated: 2022-04-20. Review status: criteria provided, single submitter. Criteria: Invitae Variant Classification Sherloc (09022015). Collection method: clinical testing. Allele origin: germline.
Comment: In summary, the available evidence is currently insufficient to determine the role of this variant in disease. Therefore, it has been classified as a Variant of Uncertain Significance. This sequence change replaces histidine, which is basic and polar, with proline, which is neutral and non-polar, at codon 1455 of the DEPDC5 protein (p.His1455Pro). This variant is not present in population databases (gnomAD no frequency). This variant has not been reported in the literature in individuals affected with DEPDC5-related conditions. Algorithms developed to predict the effect of missense changes on protein structure and function are either unavailable or do not agree on the potential impact of this missense change (SIFT: "Deleterious"; PolyPhen-2: "Not Available"; Align-GVGD: "Class C0").